The following is an entry in ClinVar:

ClinVar aggregate classification (germline): Pathogenic (1 of 4 stars; one submission).

Conditions:
Fetal akinesia deformation sequence 1 (FADS1). Also called: Fetal akinesia sequence; Pena-Shokeir syndrome type I. Identifiers: Orphanet 994, MedGen C1276035, MONDO:0100101, OMIM 208150, HP:0001989.
Congenital myasthenic syndrome 11. Also called: Myasthenic syndrome, congenital, 11, associated with acetylcholine receptor deficiency; MYASTHENIC SYNDROME, CONGENITAL, Ie. Identifiers: Orphanet 590, MedGen C4225367, MONDO:0014588, OMIM 616326.

Submission:

Labcorp Genetics (formerly Invitae), Labcorp
Classification: Pathogenic for Congenital myasthenic syndrome 11; Fetal akinesia deformation sequence 1. Last evaluated: 2022-10-06. Review status: criteria provided, single submitter. Criteria: Invitae Variant Classification Sherloc (09022015). Collection method: clinical testing. Allele origin: germline.
Comment: This variant has not been reported in the literature in individuals affected with RAPSN-related conditions. For these reasons, this variant has been classified as Pathogenic. Algorithms developed to predict the effect of sequence changes on RNA splicing suggest that this variant may create or strengthen a splice site. This variant is not present in population databases (gnomAD no frequency). This sequence change creates a premature translational stop signal (p.Ala142Valfs*20) in the RAPSN gene. It is expected to result in an absent or disrupted protein product. Loss-of-function variants in RAPSN are known to be pathogenic (PMID: 17686188).

Literature cited by the submitters: PubMed 17686188.

NM_005055.5(RAPSN):c.424_425insTGTCTCCTCTATATAAATGCGTAGGGGTTTTAGTTAAATGTCCTTTGAAGTATACTTGAGGAGGGTGACGGGCGGTGTGTACGCGCTTCAGGGCCCTGTTCAACTAAGCACTCTACCCTGTTCAACTAAG (p.Ala142delinsValSerProLeuTyrLysCysValGlyValLeuValLysCysProLeuLysTyrThrTer)

Gene: RAPSN (receptor associated protein of the synapse; minus strand). Cytogenetic location: 11p11.2.
Variant type: Insertion.
Coding change: c.424_425insTGTCTCCTCTATATAAATGCGTAGGGGTTTTAGTTAAATGTCCTTTGAAGTATACTTGAGGAGGGTGACGGGCGGTGTGTACGCGCTTCAGGGCCCTGTTCAACTAAGCACTCTACCCTGTTCAACTAAG on transcript NM_005055.5 (MANE Select); coding-DNA positions 424 to 425, TGTCTCCTCTATATAAATGCGTAGGGGTTTTAGTTAAATGTCCTTTGAAGTATACTTGAGGAGGGTGACGGGCGGTGTGTACGCGCTTCAGGGCCCTGTTCAACTAAGCACTCTACCCTGTTCAACTAAG inserted.
Protein change: p.Ala142delinsValSerProLeuTyrLysCysValGlyValLeuValLysCysProLeuLysTyrThrTer.
Molecular consequence: nonsense.
Genome position: GRCh38: chr11:47,447,919-47,447,920. GRCh37 (hg19): chr11:47,469,471-47,469,472.
Other names: c.424_425insTGTCTCCTCTATATAAATGCGTAGGGGTTTTAGTTAAATGTCCTTTGAAGTATACTTGAGGAGGGTGACGGGCGGTGTGTACGCGCTTCAGGGCCCTGTTCAACTAAGCACTCTACCCTGTTCAACTAAG, p.Ala142delinsValSerProLeuTyrLysCysValGlyValLeuValLysCysProLeuLysTyrThrTer (NM_032645.5).
Identifiers: ClinVar variation 2034351 (VCV002034351.4), dbSNP rs2496129933, ClinGen allele CA2580084288.